The following is an entry in ClinVar:

NM_001204.7(BMPR2):c.554G>T (p.Ser185Ile)

Gene: BMPR2 (bone morphogenetic protein receptor type 2; plus strand). Cytogenetic location: 2q33.2.
Variant type: single nucleotide variant.
Coding change: c.554G>T on transcript NM_001204.7 (MANE Select); coding-DNA position 554, G replaced by T.
Protein change: p.Ser185Ile; replaces serine 185 with isoleucine.
Molecular consequence: missense variant.
Genome position (GRCh38, 1-based): chr2:202,514,912, G>T. VCF-style: chr2-202514912-G-T. GRCh37 (hg19) VCF-style: chr2-203379635-G-T.
Other names: short protein forms S185I.
Identifiers: ClinVar variation 4214471 (VCV004214471.1).

ClinVar aggregate classification (germline): Uncertain significance (1 of 4 stars; one submission).

Conditions:
Inborn genetic diseases. Identifiers: MedGen C0950123, MeSH D030342.

Submission:

Ambry Genetics
Classification: Uncertain significance for Inborn genetic diseases. Last evaluated: 2025-07-31. Review status: criteria provided, single submitter. Criteria: Ambry Variant Classification Scheme 2023. Collection method: clinical testing. Allele origin: germline.
Comment: The p.S185I variant (also known as c.554G>T), located in coding exon 5 of the BMPR2 gene, results from a G to T substitution at nucleotide position 554. The serine at codon 185 is replaced by isoleucine, an amino acid with dissimilar properties. This amino acid position is conserved. In addition, the in silico prediction for this alteration is inconclusive. Based on the available evidence, the clinical significance of this variant remains unclear.